The following is an entry in ClinVar:

NM_001048174.2(MUTYH):c.817C>G (p.Pro273Ala)

Gene: MUTYH (mutY DNA glycosylase; minus strand). Cytogenetic location: 1p34.1.
Variant type: single nucleotide variant.
Coding change: c.817C>G on transcript NM_001048174.2 (MANE Select); coding-DNA position 817, C replaced by G.
Protein change: p.Pro273Ala; replaces proline 273 with alanine.
Molecular consequence: missense variant. On other transcripts: non-coding transcript variant (2).
Genome position (GRCh38, 1-based): chr1:45,332,198, G>C on the plus strand (C>G on the coding strand, the complement: MUTYH is on the minus strand). VCF-style: chr1-45332198-G-C. GRCh37 (hg19) VCF-style: chr1-45797870-G-C.
Other names: c.817C>G, p.Pro273Ala (NM_001048171.2, NM_001048173.2, NM_001293195.2 and 6 more transcripts); c.820C>G, p.Pro274Ala (NM_001048172.2, NM_001407071.1, NM_001407078.1 and 1 more transcripts); c.901C>G, p.Pro301Ala (NM_001128425.2); c.862C>G, p.Pro288Ala (NM_001293190.2); c.850C>G, p.Pro284Ala (NM_001293191.2, NM_001407069.1, NM_001407077.1); c.541C>G, p.Pro181Ala (NM_001293192.2, NM_001293196.2, NM_001407091.1); c.472C>G, p.Pro158Ala (NM_001350650.2, NM_001350651.2, NM_001407082.1); c.733C>G, p.Pro245Ala (NM_001407075.1); and 5 more; short protein forms P158A, P260A, P273A, P274A, P284A, P181A, P280A, P288A.
Identifiers: ClinVar variation 1765496 (VCV001765496.2), dbSNP rs1557470128, ClinGen allele CA340134390.

ClinVar aggregate classification (germline): Uncertain significance (1 of 4 stars; one submission).

Conditions:
Hereditary cancer-predisposing syndrome. Also called: Neoplastic Syndromes, Hereditary; Tumor predisposition; Hereditary Cancer Syndrome; Hereditary neoplastic syndrome. Identifiers: Orphanet 140162, MedGen C0027672, MeSH D009386, MONDO:0015356.

Submission:

Ambry Genetics
Classification: Uncertain significance for Hereditary cancer-predisposing syndrome. Last evaluated: 2022-03-01. Review status: criteria provided, single submitter. Criteria: Ambry Variant Classification Scheme 2023. Collection method: clinical testing. Allele origin: germline.
Comment: The p.P301A variant (also known as c.901C>G), located in coding exon 10 of the MUTYH gene, results from a C to G substitution at nucleotide position 901. The proline at codon 301 is replaced by alanine, an amino acid with highly similar properties. This amino acid position is conserved. In addition, this alteration is predicted to be deleterious by in silico analysis. Since supporting evidence is limited at this time, the clinical significance of this alteration remains unclear.